The following is an entry in ClinVar:

ClinVar aggregate classification (germline): Uncertain significance (1 of 4 stars; one submission).

Conditions:
Muscular dystrophy-dystroglycanopathy (congenital with impaired intellectual development), type B, 14. Also called: Muscular dystrophy-dystroglycanopathy (congenital with intellectual disability), type B14; Congenital muscular dystrophy-dystroglycanopathy with mental retardation, type B14; MUSCULAR DYSTROPHY, CONGENITAL, GMPPB-RELATED. Identifiers: MedGen C3809221, MONDO:0014141, OMIM 615351.
Muscular dystrophy-dystroglycanopathy (congenital with brain and eye anomalies), type A14. Also called: Congenital Muscular Dystrophy-Dystroglycanopathy with Brain and Eye Anomalies Type A 14; Congenital muscular dystrophy-dystroglycanopathy with brain and eye anomalies, type A14; Muscular dystrophy-dystroglycanopathy (congenital with brain and eye anomalies), type a, 14; WALKER-WARBURG SYNDROME OR MUSCLE-EYE-BRAIN DISEASE, GMPPB-RELATED. Identifiers: Orphanet 588, MedGen C3809216, MONDO:0014140, OMIM 615350.
Autosomal recessive limb-girdle muscular dystrophy type 2T. Also called: Limb-girdle muscular dystrophy-dystroglycanopathy, type C14; Muscular dystrophy-dystroglycanopathy (limb-girdle), type c, 14; MUSCULAR DYSTROPHY-DYSTROGLYCANOPATHY, LIMB-GIRDLE, GMPPB-RELATED; MUSCULAR DYSTROPHY, LIMB-GIRDLE, TYPE 2T. Identifiers: Orphanet 363623, MedGen C4518000, MONDO:0014142, OMIM 615352.

Submission:

Labcorp Genetics (formerly Invitae), Labcorp
Classification: Uncertain significance for Autosomal recessive limb-girdle muscular dystrophy type 2T; Muscular dystrophy-dystroglycanopathy (congenital with brain and eye anomalies), type A14; Muscular dystrophy-dystroglycanopathy (congenital with impaired intellectual development), type B, 14. Last evaluated: 2022-07-27. Review status: criteria provided, single submitter. Criteria: Invitae Variant Classification Sherloc (09022015). Collection method: clinical testing. Allele origin: germline.
Comment: This variant has not been reported in the literature in individuals affected with GMPPB-related conditions. This variant is not present in population databases (gnomAD no frequency). This sequence change replaces glutamic acid, which is acidic and polar, with alanine, which is neutral and non-polar, at codon 63 of the GMPPB protein (p.Glu63Ala). Advanced modeling of protein sequence and biophysical properties (such as structural, functional, and spatial information, amino acid conservation, physicochemical variation, residue mobility, and thermodynamic stability) performed at Invitae indicates that this missense variant is not expected to disrupt GMPPB protein function. In summary, the available evidence is currently insufficient to determine the role of this variant in disease. Therefore, it has been classified as a Variant of Uncertain Significance.

NM_021971.4(GMPPB):c.188A>C (p.Glu63Ala)

Gene: GMPPB (GDP-mannose pyrophosphorylase B; minus strand). Cytogenetic location: 3p21.31.
Variant type: single nucleotide variant.
Coding change: c.188A>C on transcript NM_021971.4 (MANE Select); coding-DNA position 188, A replaced by C.
Protein change: p.Glu63Ala; replaces glutamic acid 63 with alanine.
Molecular consequence: missense variant.
Genome position (GRCh38, 1-based): chr3:49,723,414, T>G on the plus strand (A>C on the coding strand, the complement: GMPPB is on the minus strand). VCF-style: chr3-49723414-T-G. GRCh37 (hg19) VCF-style: chr3-49760847-T-G.
Other names: c.188A>C, p.Glu63Ala (NM_013334.4); short protein forms E63A.
Identifiers: ClinVar variation 1934571 (VCV001934571.5), dbSNP rs2544757332, ClinGen allele CA352830667.